The following is an entry in ClinVar:

NM_001042492.3(NF1):c.4983_4985delinsCTTA (p.Lys1661fs)

Gene: NF1 (neurofibromin 1; plus strand). Cytogenetic location: 17q11.2.
Variant type: Indel.
Coding change: c.4983_4985delinsCTTA on transcript NM_001042492.3 (MANE Select); coding-DNA positions 4983 to 4985, GTG replaced by CTTA.
Protein change: p.Lys1661fs; shifts the reading frame from lysine 1661.
Molecular consequence: frameshift variant.
Genome position (GRCh38, 1-based): chr17:31,325,967-31,325,969, GTG replaced by CTTA. VCF-style: chr17-31325967-GTG-CTTA. GRCh37 (hg19) VCF-style: chr17-29652985-GTG-CTTA.
Other names: c.4920_4922delGTGinsCTTA, p.Lys1640Asnfs (NM_000267.4); short protein forms K1661fs, K1640fs.
Identifiers: ClinVar variation 527499 (VCV000527499.5), dbSNP rs1555533326, ClinGen allele CA658798767.

ClinVar aggregate classification (germline): Pathogenic (1 of 4 stars; one submission).

Conditions:
Neurofibromatosis, type 1 (NF1). Also called: VON RECKLINGHAUSEN DISEASE; NEUROFIBROMATOSIS, TYPE I, SOMATIC; Peripheral type neurofibromatosis; Neurofibromatosis, type I. Identifiers: Orphanet 636, MedGen C0027831, MONDO:0018975, OMIM 162200. Disease mechanism: loss of function.

Submission:

Labcorp Genetics (formerly Invitae), Labcorp
Classification: Pathogenic for Neurofibromatosis, type 1. Last evaluated: 2024-10-14. Review status: criteria provided, single submitter. Criteria: Invitae Variant Classification Sherloc (09022015). Collection method: clinical testing. Allele origin: germline.
Comment: This sequence change creates a premature translational stop signal (p.Lys1640Asnfs*21) in the NF1 gene. It is expected to result in an absent or disrupted protein product. Loss-of-function variants in NF1 are known to be pathogenic (PMID: 10712197, 23913538). This variant is not present in population databases (gnomAD no frequency). This variant has not been reported in the literature in individuals affected with NF1-related conditions. For these reasons, this variant has been classified as Pathogenic.

Literature cited by the submitters: PubMed 10712197; PubMed 23913538.